The following is an entry in ClinVar:

NM_000702.4(ATP1A2):c.748+84T>A

Genes: ATP1A2 (ATPase Na+/K+ transporting subunit alpha 2; plus strand), LOC126805890 (CDK7 strongly-dependent group 2 enhancer GRCh37_chr1:160093987-160095186; plus strand). Cytogenetic location: 1q23.2.
Variant type: single nucleotide variant.
Coding change: c.748+84T>A on transcript NM_000702.4 (MANE Select); 84 bases into the intron after coding-DNA position 748, T replaced by A.
Molecular consequence: intron variant.
Genome position (GRCh38, 1-based): chr1:160,125,337, T>A. VCF-style: chr1-160125337-T-A. GRCh37 (hg19) VCF-style: chr1-160095127-T-A.
Identifiers: ClinVar variation 670755 (VCV000670755.7), dbSNP rs7548116, ClinGen allele CA15085706.

ClinVar aggregate classification (germline): Benign. Review status: criteria provided, multiple submitters, no conflicts (2 of 4 stars). 7 submissions from 4 submitters: Benign (7). Last evaluated 2024-07-15.

Conditions:
Alternating hemiplegia of childhood 1 (AHC1). Identifiers: Orphanet 2131, MedGen C3549447, MONDO:0007087, OMIM 104290.
Migraine, familial hemiplegic, 2. Identifiers: Orphanet 569, MedGen C1865322, MONDO:0011232, OMIM 602481.
Fetal akinesia, respiratory insufficiency, microcephaly, polymicrogyria, and dysmorphic facies. Identifiers: MedGen C5562015, MONDO:0859204, OMIM 619602.
Developmental and epileptic encephalopathy 98. Identifiers: MedGen C5562017, MONDO:0030472, OMIM 619605.

Allele frequency attached by ClinVar (database versions not stated): TOPMed 0.56864; 1000 Genomes Project 30x 0.57199; 1000 Genomes Project 0.57768; gnomAD 0.58333 and 0.58826; gnomAD exomes 0.64274.
gnomAD v4.1: 821,523 of 1,292,430 alleles (64%); highest among the groups gnomAD compares: South Asian, 75%; 264,136 homozygotes.

Submissions (7):

Unidad de Genómica Garrahan, Hospital de Pediatría Garrahan
Classification: Benign. Last evaluated: 2024-07-15. Review status: criteria provided, single submitter. Criteria: ACMG Guidelines, 2015. Collection method: clinical testing. Allele origin: germline. Affected: no. Observed: 43 variant alleles.
Comment: This variant is classified as Benign based on local population frequency. This variant was detected in 46% of patients studied in a panel designed for Epileptic and Developmental Encephalopathy and Progressive Myoclonus Epilepsy. Number of patients: 43. Only high quality variants are reported.

Genome-Nilou Lab
Classification: Benign for Developmental and epileptic encephalopathy 98. Last evaluated: 2021-12-05. Review status: criteria provided, single submitter. Criteria: ACMG Guidelines, 2015. Collection method: clinical testing. Allele origin: germline. Affected: no.

Genome-Nilou Lab
Classification: Benign for Fetal akinesia, respiratory insufficiency, microcephaly, polymicrogyria, and dysmorphic facies. Last evaluated: 2021-12-05. Review status: criteria provided, single submitter. Criteria: ACMG Guidelines, 2015. Collection method: clinical testing. Allele origin: germline. Affected: no.

Genome-Nilou Lab
Classification: Benign for Migraine, familial hemiplegic, 2. Last evaluated: 2021-12-05. Review status: criteria provided, single submitter. Criteria: ACMG Guidelines, 2015. Collection method: clinical testing. Allele origin: germline. Affected: no.

Genome-Nilou Lab
Classification: Benign for Alternating hemiplegia of childhood 1. Last evaluated: 2021-07-14. Review status: criteria provided, single submitter. Criteria: ACMG Guidelines, 2015. Collection method: clinical testing. Allele origin: germline. Affected: no.

GeneDx
Classification: Benign. Last evaluated: 2018-06-14. Review status: criteria provided, single submitter. Criteria: GeneDx Variant Classification (06012015). Collection method: clinical testing. Allele origin: germline. Affected: yes.
Comment: This variant is considered likely benign or benign based on one or more of the following criteria: it is a conservative change, it occurs at a poorly conserved position in the protein, it is predicted to be benign by multiple in silico algorithms, and/or has population frequency not consistent with disease.

Breakthrough Genomics
Classification: Benign. Review status: criteria provided, single submitter. Criteria: ACMG Guidelines, 2015. Collection method: not provided. Allele origin: germline. Inheritance: Autosomal recessive inheritance. Affected: yes.